The following is an entry in ClinVar:

ClinVar aggregate classification (germline): Uncertain significance (1 of 4 stars; one submission).

Conditions:
Ehlers-Danlos syndrome due to tenascin-X deficiency (EDSCLL1). Also called: TNX DEFICIENCY; EDS DUE TO TNX DEFICIENCY; EHLERS-DANLOS SYNDROME, CLASSIC-LIKE; Ehlers-Danlos syndrome, classic-like, 1; TNXB-Related Classical-Like Ehlers-Danlos Syndrome. Identifiers: Orphanet 230839, MedGen C1848029, MONDO:0011670, OMIM 606408.

gnomAD v4.1: 1 of 1,600,922 alleles (0.000062%); highest among the groups gnomAD compares: East Asian, 0.0022%; no homozygotes.

Submission:

Myriad Genetics, Inc.
Classification: Uncertain significance for Ehlers-Danlos syndrome due to tenascin-X deficiency. Last evaluated: 2025-09-17. Review status: criteria provided, single submitter. Criteria: Myriad Autosomal Dominant, Autosomal Recessive and X-Linked Classification Criteria (2023). Collection method: clinical testing. Allele origin: unknown.
Comment: NM_019105.6(TNXB):c.1364G>A(G455D) is a missense variant classified as a variant of uncertain significance in the context of classical-like Ehlers-Danlos syndrome, TNXB-related. G455D has not been observed in cases with relevant disease. Relevant functional assessments of this variant are not available in the literature. G455D has been observed in referenced population frequency databases. In summary, there is insufficient evidence to classify NM_019105.6(TNXB):c.1364G>A(G455D) as pathogenic or benign. Please note: this variant was assessed in the context of healthy population screening.

NM_001365276.2(TNXB):c.1364G>A (p.Gly455Asp)

Gene: TNXB (tenascin XB; minus strand). Cytogenetic location: 6p21.33.
Variant type: single nucleotide variant.
Coding change: c.1364G>A on transcript NM_001365276.2 (MANE Select); coding-DNA position 1364, G replaced by A.
Protein change: p.Gly455Asp; replaces glycine 455 with aspartic acid.
Molecular consequence: missense variant.
Genome position (GRCh38, 1-based): chr6:32,096,489, C>T on the plus strand (G>A on the coding strand, the complement: TNXB is on the minus strand). VCF-style: chr6-32096489-C-T. GRCh37 (hg19) VCF-style: chr6-32064266-C-T.
Other names: c.1364G>A, p.Gly455Asp (NM_001428335.1, NM_019105.8); short protein forms G455D.
Identifiers: ClinVar variation 5004020 (VCV005004020.1).